The following is an entry in ClinVar:

NM_020365.5(EIF2B3):c.687T>G (p.Ile229Met)

Gene: EIF2B3 (eukaryotic translation initiation factor 2B subunit gamma; minus strand). Cytogenetic location: 1p34.1.
Variant type: single nucleotide variant.
Coding change: c.687T>G on transcript NM_020365.5 (MANE Select); coding-DNA position 687, T replaced by G.
Protein change: p.Ile229Met; replaces isoleucine 229 with methionine.
Molecular consequence: missense variant.
Genome position (GRCh38, 1-based): chr1:44,881,709, A>C on the plus strand (T>G on the coding strand, the complement: EIF2B3 is on the minus strand). VCF-style: chr1-44881709-A-C. GRCh37 (hg19) VCF-style: chr1-45347381-A-C.
Other names: c.687T>G, p.Ile229Met (NM_001166588.3, NM_001261418.2); c.687T>G (NM_020365.4); short protein forms I229M.
Identifiers: ClinVar variation 1691306 (VCV001691306.8), dbSNP rs538917969, ClinGen allele CA823935.

ClinVar aggregate classification (germline): Conflicting classifications of pathogenicity. Review status: criteria provided, conflicting classifications (1 of 4 stars). 4 submissions from 4 submitters: Likely pathogenic (3); Uncertain significance (1). Last evaluated 2024-09-02.

Conditions:
Vanishing white matter disease. Also called: CACH syndrome; Childhood ataxia with diffuse central nervous system hypomyelination; Leukoencephalopathy with vanishing white matter; CACH/VWM syndrome; Cree leukoencehalopathy. Identifiers: Orphanet 135, Orphanet 99853, MedGen C1858991, MONDO:0800448.
EIF2B3-related disorder. Also called: EIF2B3-related condition.
Leukoencephalopathy with vanishing white matter 1 (VWM1). Also called: CHILDHOOD ATAXIA WITH CENTRAL NERVOUS SYSTEM HYPOMYELINIZATION; Vanishing white matter leukodystrophy; EIF2B1-Related Childhood Ataxia with Central Nervous System Hypomyelination/Vanishing White Matter; Cree leukoencephalopathy. Identifiers: Orphanet 99854, MedGen C5779972, MONDO:0020507, OMIM 603896.

Allele frequency attached by ClinVar (database versions not stated): gnomAD 0.00001 and 0.00002; gnomAD exomes 0.00004 and 0.00009; ExAC 0.00007; 1000 Genomes Project 0.00020; 1000 Genomes Project 30x 0.00031.
gnomAD v4.1: 53 of 1,614,190 alleles (0.0033%); highest among the groups gnomAD compares: South Asian, 0.043%; no homozygotes.

Submissions (4):

Blueprint Genetics
Classification: Likely pathogenic for EIF2B3-related disorders. Last evaluated: 2024-09-02. Review status: criteria provided, single submitter. Criteria: ACMG Guidelines, 2015. Collection method: clinical testing. Allele origin: germline. Affected: yes. Observed: 3 variant alleles.

Women's Health and Genetics/Laboratory Corporation of America, LabCorp
Classification: Uncertain significance. Last evaluated: 2023-02-27. Review status: criteria provided, single submitter. Criteria: LabCorp Variant Classification Summary - May 2015. Collection method: clinical testing. Allele origin: germline.
Comment: Variant summary: EIF2B3 c.687T>G (p.Ile229Met) results in a conservative amino acid change in the encoded protein sequence. Three of five in-silico tools predict a benign effect of the variant on protein function. The variant allele was found at a frequency of 8.7e-05 in 251450 control chromosomes, predominantly at a frequency of 0.00046 within the South Asian subpopulation in the gnomAD database. The observed variant frequency within South Asian control individuals in the gnomAD database is approximately 1.45 fold of the estimated maximal expected allele frequency for a pathogenic variant in EIF2B3 causing Leukoencephalopathy With Vanishing White Matter phenotype (0.00032), suggesting that the variant may be a benign polymorphism found primarily in populations of South Asian origin. c.687T>G has been reported in the literature in individuals affected with Leukoencephalopathy With Vanishing White Matter, in multiple cases without a second allele reported or with a second allele that is unknown signficance (Pronk_2006, Maletkovic_2008, Sankaran_2020). In one patient the variant was reported in the homozygous state (Slynko_2020). These data indicate that the variant may be associated with disease. To our knowledge, no experimental evidence demonstrating an impact on protein function has been reported. One clinical diagnostic laboratory has submitted clinical-significance assessments for this variant to ClinVar after 2014 without evidence for independent evaluation. One laboratory classified the variant as likely pathogenic. Based on the evidence outlined above, the variant was classified as VUS.

Diagnostics Services (NGS), CSIR - Centre For Cellular And Molecular Biology
Classification: Likely pathogenic for Leukoencephalopathy with vanishing white matter 1. Last evaluated: 2022-05-12. Review status: criteria provided, single submitter. Criteria: ACMG Guidelines, 2015. Collection method: clinical testing. Allele origin: germline. Inheritance: Autosomal recessive inheritance. Affected: yes. Observed: 1 variant allele, 1 homozygote.
Comment: The c.687T>G variant is not present in publicly available population databases like Exome Variant Server (EVS). The heterozygous state of the variant is present in 1000 Genomes, Exome Aggregation Consortium (ExAC), Genome Aggregation Database (gnomAD) and Indian Exome Database. The variant is not present in our in-house exome database. The variant was previously identified in similarly affected patients (PMID: 16807905, 18263758, 19909266) and reported to Human Genome Mutation Database (HGMD ID: CM066788). In-silico pathogenicity prediction programs like SIFT, PolyPhen-2. MutationTaster2, CADD etc. predicted this variant to be likely deleterious.

Neuberg Centre For Genomic Medicine, NCGM
Classification: Likely pathogenic for Leukoencephalopathy with vanishing white matter 1. Review status: criteria provided, single submitter. Criteria: ACMG Guidelines, 2015. Collection method: clinical testing. Allele origin: germline. Inheritance: Autosomal recessive inheritance. Affected: yes.
Comment: The observed missense c.687T>G(p.Ile229Met) variant in EIF2B3 gene has been reported in compound heterozygous or homozygous state in individuals affected with EIF2B3 related disease (Pavitt GD, et. al., 2009; Parayil Sankaran B, et. al.,2020; Slynko I, et.al., 2021). This variant is present with an allele frequency of 0.008% in gnomAD Exomes database. This variant has been submitted to the ClinVar database as Uncertain Significance/ Likely pathogenic. The amino acid change p.Ile229Met in EIF2B3 is predicted as conserved by GERP++ and PhyloP across 100 vertebrates. The amino acid Ile at position 229 is changed to a Met changing protein sequence and it might alter its composition and physico-chemical properties. For these reasons, this variant has been classified as Likely Pathogenic.

Literature cited by the submitters: PubMed 32180488 (cited by Women's Health and Genetics/Laboratory Corporation of America, LabCorp); PubMed 18263758 (cited by Women's Health and Genetics/Laboratory Corporation of America, LabCorp and Diagnostics Services (NGS), CSIR - Centre For Cellular And Molecular Biology); PubMed 33432707 (cited by Women's Health and Genetics/Laboratory Corporation of America, LabCorp); PubMed 16807905 (cited by Women's Health and Genetics/Laboratory Corporation of America, LabCorp and Diagnostics Services (NGS), CSIR - Centre For Cellular And Molecular Biology); PubMed 19909266 (cited by Diagnostics Services (NGS), CSIR - Centre For Cellular And Molecular Biology).